The following is an entry in ClinVar:

NM_000719.7(CACNA1C):c.973C>A (p.Gln325Lys)

Gene: CACNA1C (calcium voltage-gated channel subunit alpha1 C; plus strand). Cytogenetic location: 12p13.33.
Variant type: single nucleotide variant.
Coding change: c.973C>A on transcript NM_000719.7 (MANE Select); coding-DNA position 973, C replaced by A.
Protein change: p.Gln325Lys; replaces glutamine 325 with lysine.
Molecular consequence: missense variant.
Genome position (GRCh38, 1-based): chr12:2,493,246, C>A. VCF-style: chr12-2493246-C-A. GRCh37 (hg19) VCF-style: chr12-2602412-C-A.
Other names: c.973C>A, p.Gln325Lys (NM_001129827.2, NM_001129829.2, NM_001129830.3 and 18 more transcripts); c.964C>A, p.Gln322Lys (NM_001129844.2); short protein forms Q322K, Q325K.
Identifiers: ClinVar variation 661082 (VCV000661082.10), dbSNP rs1597984777, ClinGen allele CA383369732.

ClinVar aggregate classification (germline): Uncertain significance. Review status: criteria provided, multiple submitters, no conflicts (2 of 4 stars). 2 submissions from 2 submitters: Uncertain significance (2). Last evaluated 2024-08-22.

Conditions:
Long QT syndrome (LQTS). Identifiers: MedGen C0023976, MeSH D008133, MONDO:0002442. Disease mechanism: loss of function. Inheritance: Various modes of inheritance.

Allele frequency attached by ClinVar (database versions not stated): gnomAD exomes below 0.00001; TOPMed 0.00001.
gnomAD v4.1: 6 of 1,614,044 alleles (0.00037%); highest among the groups gnomAD compares: Non-Finnish European, 0.00051%; no homozygotes.

Submissions (2):

Blueprint Genetics
Classification: Uncertain significance. Last evaluated: 2024-08-22. Review status: criteria provided, single submitter. Criteria: ACMG Guidelines, 2015. Collection method: clinical testing. Allele origin: germline.

Labcorp Genetics (formerly Invitae), Labcorp
Classification: Uncertain significance for Long QT syndrome. Last evaluated: 2022-04-15. Review status: criteria provided, single submitter. Criteria: Invitae Variant Classification Sherloc (09022015). Collection method: clinical testing. Allele origin: germline.
Comment: This sequence change replaces glutamine, which is neutral and polar, with lysine, which is basic and polar, at codon 325 of the CACNA1C protein (p.Gln325Lys). In summary, the available evidence is currently insufficient to determine the role of this variant in disease. Therefore, it has been classified as a Variant of Uncertain Significance. Algorithms developed to predict the effect of missense changes on protein structure and function (SIFT, PolyPhen-2, Align-GVGD) all suggest that this variant is likely to be tolerated. ClinVar contains an entry for this variant (Variation ID: 661082). This variant has not been reported in the literature in individuals affected with CACNA1C-related conditions. This variant is not present in population databases (gnomAD no frequency).